The following is an entry in ClinVar:

NM_001184880.2(PCDH19):c.758C>A (p.Pro253His)

Gene: PCDH19 (protocadherin 19; minus strand). Cytogenetic location: Xq22.1.
Variant type: single nucleotide variant.
Coding change: c.758C>A on transcript NM_001184880.2 (MANE Select); coding-DNA position 758, C replaced by A.
Protein change: p.Pro253His; replaces proline 253 with histidine.
Molecular consequence: missense variant.
Genome position (GRCh38, 1-based): chrX:100,407,840, G>T on the plus strand (C>A on the coding strand, the complement: PCDH19 is on the minus strand). VCF-style: chrX-100407840-G-T. GRCh37 (hg19) VCF-style: chrX-99662838-G-T.
Other names: c.758C>A, p.Pro253His (NM_020766.3, NM_001105243.2); short protein forms P253H.
Identifiers: ClinVar variation 2884423 (VCV002884423.3), dbSNP rs767015140, ClinGen allele CA10468957.

ClinVar aggregate classification (germline): Uncertain significance (1 of 4 stars; one submission).

Conditions:
Developmental and epileptic encephalopathy, 9 (DEE9). Also called: Early infantile epileptic encephalopathy 9; JUBERG-HELLMAN SYNDROME; PCDH19-Related X-Linked Female-Limited Epilepsy with Mental Retardation; EPILEPSY, FEMALE-RESTRICTED, WITH MENTAL RETARDATION. Identifiers: Orphanet 101039, Orphanet 2076, MedGen C1848137, MONDO:0010246, OMIM 300088. Disease mechanism: loss of function.

Allele frequency attached by ClinVar (database versions not stated): gnomAD exomes below 0.00001; ExAC 0.00001; gnomAD 0.00001.
gnomAD v4.1: 3 of 1,211,134 alleles (0.00025%); highest among the groups gnomAD compares: African/African-American, 0.0052%; no homozygotes.

Submission:

Labcorp Genetics (formerly Invitae), Labcorp
Classification: Uncertain significance for Developmental and epileptic encephalopathy, 9. Last evaluated: 2025-08-24. Review status: criteria provided, single submitter. Criteria: Invitae Variant Classification Sherloc (09022015). Collection method: clinical testing. Allele origin: germline.
Comment: This sequence change replaces proline, which is neutral and non-polar, with histidine, which is basic and polar, at codon 253 of the PCDH19 protein (p.Pro253His). This variant is present in population databases (rs767015140, gnomAD 0.02%). This variant has not been reported in the literature in individuals affected with PCDH19-related conditions. ClinVar contains an entry for this variant (Variation ID: 2884423). Invitae Evidence Modeling of protein sequence and biophysical properties (such as structural, functional, and spatial information, amino acid conservation, physicochemical variation, residue mobility, and thermodynamic stability) indicates that this missense variant is not expected to disrupt PCDH19 protein function with a negative predictive value of 95%. In summary, the available evidence is currently insufficient to determine the role of this variant in disease. Therefore, it has been classified as a Variant of Uncertain Significance.